The following is an entry in ClinVar:

ClinVar aggregate classification (germline): Pathogenic (1 of 4 stars; one submission).

Conditions:
Fabry disease. Also called: ALPHA-GALACTOSIDASE A DEFICIENCY; ANDERSON-FABRY DISEASE; CERAMIDE TRIHEXOSIDASE DEFICIENCY; GLA DEFICIENCY; HEREDITARY DYSTOPIC LIPIDOSIS; Angiokeratoma corporis diffusum. Identifiers: Orphanet 324, MedGen C0002986, MONDO:0010526, OMIM 301500, HP:0001071. Disease mechanism: Fabry disease is due to inactivating mutations in the X-linked GLA gene resulting in deficiency of the enzyme Alpha Galactosidase-A., loss of function.

Submission:

Genomenon, Inc
Classification: Pathogenic for Fabry disease. Last evaluated: 2026-09-08. Review status: criteria provided, single submitter. Criteria: Genomenon Sequence Variant Interpretation Standards - Updated. Collection method: curation. Allele origin: germline. Affected: yes.
Comment: GLA p.Gly28TrpfsTer3 (c.77dup) is a frameshift variant that is predicted to introduce a premature termination codon and result in a truncated or absent protein product. This variant has been observed in at least one proband with clinical features consistent with Fabry disease (PMID:32991443;39609713). It is absent or not present at a significant frequency in gnomAD. In conclusion, we classify GLA p.Gly28TrpfsTer3 (c.77dup) as a pathogenic variant.

Literature cited by the submitters: PubMed 32991443; PubMed 39609713.

NM_000169.3(GLA):c.77dup (p.Gly28fs)

Genes: GLA (galactosidase alpha; minus strand), RPL36A-HNRNPH2 (RPL36A-HNRNPH2 readthrough; plus strand). Cytogenetic location: Xq22.1.
Variant type: Duplication.
Coding change: c.77dup on transcript NM_000169.3 (MANE Select); coding-DNA position 77, one base duplicated (T; older notation c.77dupT).
Protein change: p.Gly28fs; shifts the reading frame from glycine 28.
Molecular consequence: frameshift variant. On other transcripts: non-coding transcript variant (3), intron variant (2).
Genome position (GRCh38, 1-based): chrX:101,407,827, A duplicated on the plus strand (T on the coding strand, the reverse complement: GLA is on the minus strand). VCF-style (leftmost placement, unchanged base first): chrX-101407826-G-GA. GRCh37 (hg19) VCF-style: chrX-100662814-G-GA.
Other names: c.77dup, p.Gly28fs (NM_001406747.1, NM_001406748.1, NM_001406749.1); c.301-4109dup (NM_001199973.2); c.178-4109dup (NM_001199974.2); short protein forms G28fs.
Identifiers: ClinVar variation 4087254 (VCV004087254.2).